The following is an entry in ClinVar:

NM_001330700.2(TOP2B):c.118G>T (p.Ala40Ser)

Gene: TOP2B (DNA topoisomerase II beta; minus strand). Cytogenetic location: 3p24.2.
Variant type: single nucleotide variant.
Coding change: c.118G>T on transcript NM_001330700.2 (MANE Select); coding-DNA position 118, G replaced by T.
Protein change: p.Ala40Ser; replaces alanine 40 with serine.
Molecular consequence: missense variant.
Genome position (GRCh38, 1-based): chr3:25,645,422, C>A on the plus strand (G>T on the coding strand, the complement: TOP2B is on the minus strand). VCF-style: chr3-25645422-C-A. GRCh37 (hg19) VCF-style: chr3-25686913-C-A.
Other names: c.103G>T, p.Ala35Ser (NM_001068.3); short protein forms A35S, A40S.
Identifiers: ClinVar variation 3663561 (VCV003663561.2).

ClinVar aggregate classification (germline): Uncertain significance (1 of 4 stars; one submission).

gnomAD v4.1: 1 of 1,613,600 alleles (0.000062%); highest among the groups gnomAD compares: Non-Finnish European, 0.000085%; no homozygotes.

Submission:

Labcorp Genetics (formerly Invitae), Labcorp
Classification: Uncertain significance. Last evaluated: 2024-08-27. Review status: criteria provided, single submitter. Criteria: Invitae Variant Classification Sherloc (09022015). Collection method: clinical testing. Allele origin: germline.
Comment: This sequence change replaces alanine, which is neutral and non-polar, with serine, which is neutral and polar, at codon 35 of the TOP2B protein (p.Ala35Ser). The frequency data for this variant in the population databases is considered unreliable, as metrics indicate poor data quality at this position in the gnomAD database. This variant has not been reported in the literature in individuals affected with TOP2B-related conditions. An algorithm developed to predict the effect of missense changes on protein structure and function outputs the following: PolyPhen-2: "Benign". The serine amino acid residue is found in multiple mammalian species, which suggests that this missense change does not adversely affect protein function. In summary, the available evidence is currently insufficient to determine the role of this variant in disease. Therefore, it has been classified as a Variant of Uncertain Significance.